The following is an entry in ClinVar:

ClinVar aggregate classification (germline): Benign/Likely benign. Review status: criteria provided, multiple submitters, no conflicts (2 of 4 stars). 6 submissions from 6 submitters: Benign (2); Likely benign (3). 1 of the submissions does not count toward it. Last evaluated 2026-01-28.

Conditions:
SMARCA2-related disorder. Also called: SMARCA2-related condition.
Inborn genetic diseases. Identifiers: MedGen C0950123, MeSH D030342.

Allele frequency attached by ClinVar (database versions not stated): ESP Exome Variant Server 0.00023; 1000 Genomes Project 30x 0.00047; TOPMed 0.00051; 1000 Genomes Project 0.00060; ExAC 0.00073; gnomAD exomes 0.00088 and 0.00019; gnomAD 0.00019 and 0.00020.
gnomAD v4.1: 311 of 1,614,146 alleles (0.019%); highest among the groups gnomAD compares: Admixed American, 0.46%; no homozygotes.

Submissions (6):

Labcorp Genetics (formerly Invitae), Labcorp
Classification: Benign. Last evaluated: 2026-01-28. Review status: criteria provided, single submitter. Criteria: Invitae Variant Classification Sherloc (09022015). Collection method: clinical testing. Allele origin: germline.

CeGaT Center for Human Genetics Tuebingen
Classification: Likely benign. Last evaluated: 2026-01-01. Review status: criteria provided, single submitter. Criteria: CeGaT Center For Human Genetics Tuebingen Variant Classification Criteria Version 2. Collection method: clinical testing. Allele origin: germline. Affected: yes. Observed: 2 variant alleles.
Comment: SMARCA2: BP4, BP7, BS1

Blueprint Genetics
Classification: Likely benign. Last evaluated: 2024-02-13. Review status: criteria provided, single submitter. Criteria: ACMG Guidelines, 2015. Collection method: clinical testing. Allele origin: germline.

GeneDx
Classification: Benign. Last evaluated: 2020-04-03. Review status: criteria provided, single submitter. Criteria: GeneDx Variant Classification Process June 2021. Collection method: clinical testing. Allele origin: germline. Affected: yes.

Ambry Genetics
Classification: Likely benign for Inborn genetic diseases. Last evaluated: 2018-01-31. Review status: criteria provided, single submitter. Criteria: Ambry Variant Classification Scheme 2023. Collection method: clinical testing. Allele origin: germline.

PreventionGenetics, part of Exact Sciences
Classification: Benign for SMARCA2-related condition. Last evaluated: 2019-05-07. Review status: no assertion criteria provided. Collection method: clinical testing. Allele origin: germline. Not counted in ClinVar's aggregate classification.
Comment: This variant is classified as benign based on ACMG/AMP sequence variant interpretation guidelines (Richards et al. 2015 PMID: 25741868, with internal and published modifications).

NM_003070.5(SMARCA2):c.1080A>G (p.Glu360=)

Gene: SMARCA2 (SWI/SNF related BAF chromatin remodeling complex subunit ATPase 2; plus strand). Cytogenetic location: 9p24.3.
Variant type: single nucleotide variant.
Coding change: c.1080A>G on transcript NM_003070.5 (MANE Select); coding-DNA position 1080, A replaced by G.
Protein change: p.Glu360=; no amino-acid change (glutamic acid 360 retained).
Molecular consequence: synonymous variant.
Genome position (GRCh38, 1-based): chr9:2,054,630, A>G. VCF-style: chr9-2054630-A-G. GRCh37 (hg19) VCF-style: chr9-2054630-A-G.
Other names: c.1080A>G, p.Glu360= (NM_001289396.2, NM_001289397.2, NM_139045.4).
Identifiers: ClinVar variation 1265175 (VCV001265175.19), dbSNP rs138782877, ClinGen allele CA4963076.